The following is an entry in ClinVar:

NM_004984.4(KIF5A):c.714+93T>C

Gene: KIF5A (kinesin family member 5A; plus strand). Cytogenetic location: 12q13.3.
Variant type: single nucleotide variant.
Coding change: c.714+93T>C on transcript NM_004984.4 (MANE Select); 93 bases into the intron after coding-DNA position 714, T replaced by C.
Molecular consequence: intron variant.
Genome position (GRCh38, 1-based): chr12:57,567,711, T>C. VCF-style: chr12-57567711-T-C. GRCh37 (hg19) VCF-style: chr12-57961494-T-C.
Other names: c.447+93T>C (NM_001354705.2).
Identifiers: ClinVar variation 682859 (VCV000682859.2), dbSNP rs10783832, ClinGen allele CA13775038.

ClinVar aggregate classification (germline): Benign. Review status: criteria provided, multiple submitters, no conflicts (2 of 4 stars). 2 submissions from 2 submitters: Benign (2). Last evaluated 2018-06-14.

Allele frequency attached by ClinVar (database versions not stated): gnomAD exomes 0.40500; gnomAD 0.44388 and 0.45195; TOPMed 0.45298; 1000 Genomes Project 30x 0.55762; 1000 Genomes Project 0.56550.
gnomAD v4.1: 551,691 of 1,342,324 alleles (41%); highest among the groups gnomAD compares: East Asian, 78%; 120,508 homozygotes.

Submissions (2):

GeneDx
Classification: Benign. Last evaluated: 2018-06-14. Review status: criteria provided, single submitter. Criteria: GeneDx Variant Classification (06012015). Collection method: clinical testing. Allele origin: germline. Affected: yes.
Comment: This variant is considered likely benign or benign based on one or more of the following criteria: it is a conservative change, it occurs at a poorly conserved position in the protein, it is predicted to be benign by multiple in silico algorithms, and/or has population frequency not consistent with disease.

Breakthrough Genomics
Classification: Benign. Review status: criteria provided, single submitter. Criteria: ACMG Guidelines, 2015. Collection method: not provided. Allele origin: germline. Inheritance: Autosomal dominant inheritance. Affected: yes.